The following is an entry in ClinVar:

NM_000274.4(OAT):c.442A>T (p.Thr148Ser)

Gene: OAT (ornithine aminotransferase; minus strand). Cytogenetic location: 10q26.13.
Variant type: single nucleotide variant.
Coding change: c.442A>T on transcript NM_000274.4 (MANE Select); coding-DNA position 442, A replaced by T.
Protein change: p.Thr148Ser; replaces threonine 148 with serine.
Molecular consequence: missense variant. On other transcripts: 5 prime UTR variant (1), intron variant (1).
Genome position (GRCh38, 1-based): chr10:124,408,620, T>A on the plus strand (A>T on the coding strand, the complement: OAT is on the minus strand). VCF-style: chr10-124408620-T-A. GRCh37 (hg19) VCF-style: chr10-126097189-T-A.
Other names: c.28A>T, p.Thr10Ser (NM_001171814.2); c.442A>T, p.Thr148Ser (NM_001322965.2, NM_001322966.2, NM_001322967.2 and 3 more transcripts); c.-273A>T (NM_001322974.2); c.200-3057A>T (NM_001322971.2); short protein forms T10S, T148S.
Identifiers: ClinVar variation 2154563 (VCV002154563.2), dbSNP rs1207142793, ClinGen allele CA378637047.
Genomic context (GRCh38, chr10:124,408,620, plus strand): 5'-CTTTGTATTTCTGAATGCCCTTCACGGTATAGCCCCACTTACGAGCTAGTTTACAGGCAG[T>A]CTCTCCAGCCTCCACTCCTATCAGGAGAGAAAAATGTTCAGATTTTTTTAAAATGTTAAA-3'
Protein context (NP_000265.1, residues 138-158): PMNTGVEAGE[Thr148Ser]ACKLARKWGY

ClinVar aggregate classification (germline): Uncertain significance. Review status: criteria provided, multiple submitters, no conflicts (2 of 4 stars). 2 submissions from 2 submitters: Uncertain significance (2). Last evaluated 2025-08-02.

Conditions:
Ornithine aminotransferase deficiency (GACR). Also called: Ornithine ketoacid aminotransferase deficiency; Gyrate atrophy; Gyrate atrophy of choroid and retina; Girate atrophy of the retina; HYPERORNITHINEMIA WITH GYRATE ATROPHY OF CHOROID AND RETINA; OAT DEFICIENCY. Identifiers: Orphanet 414, MedGen C0018425, MONDO:0009796, OMIM 258870.
Inborn genetic diseases. Identifiers: MedGen C0950123, MeSH D030342.

Allele frequency attached by ClinVar (database versions not stated): gnomAD 0.00001; gnomAD exomes 0.00001; TOPMed 0.00002.

Submissions (2):

Ambry Genetics
Classification: Uncertain significance for Inborn genetic diseases. Last evaluated: 2025-08-02. Review status: criteria provided, single submitter. Criteria: Ambry Variant Classification Scheme 2023. Collection method: clinical testing. Allele origin: germline.

Labcorp Genetics (formerly Invitae), Labcorp
Classification: Uncertain significance for Ornithine aminotransferase deficiency. Last evaluated: 2022-01-03. Review status: criteria provided, single submitter. Criteria: Invitae Variant Classification Sherloc (09022015). Collection method: clinical testing. Allele origin: germline.
Comment: This sequence change replaces threonine, which is neutral and polar, with serine, which is neutral and polar, at codon 148 of the OAT protein (p.Thr148Ser). This variant is present in population databases (no rsID available, gnomAD 0.002%). This variant has not been reported in the literature in individuals affected with OAT-related conditions. Algorithms developed to predict the effect of missense changes on protein structure and function are either unavailable or do not agree on the potential impact of this missense change (SIFT: "Tolerated"; PolyPhen-2: "Probably Damaging"; Align-GVGD: "Class C0"). In summary, the available evidence is currently insufficient to determine the role of this variant in disease. Therefore, it has been classified as a Variant of Uncertain Significance.